The following is an entry in ClinVar:

ClinVar aggregate classification (germline): Uncertain significance (1 of 4 stars; one submission).

Submission:

Labcorp Genetics (formerly Invitae), Labcorp
Classification: Uncertain significance. Last evaluated: 2023-07-17. Review status: criteria provided, single submitter. Criteria: Invitae Variant Classification Sherloc (09022015). Collection method: clinical testing. Allele origin: germline.
Comment: In summary, the available evidence is currently insufficient to determine the role of this variant in disease. Therefore, it has been classified as a Variant of Uncertain Significance. Advanced modeling of protein sequence and biophysical properties (such as structural, functional, and spatial information, amino acid conservation, physicochemical variation, residue mobility, and thermodynamic stability) has been performed at Invitae for this missense variant, however the output from this modeling did not meet the statistical confidence thresholds required to predict the impact of this variant on CNNM4 protein function. ClinVar contains an entry for this variant (Variation ID: 960850). This variant has not been reported in the literature in individuals affected with CNNM4-related conditions. This variant is not present in population databases (gnomAD no frequency). This sequence change replaces methionine, which is neutral and non-polar, with threonine, which is neutral and polar, at codon 401 of the CNNM4 protein (p.Met401Thr).

NM_020184.4(CNNM4):c.1202T>C (p.Met401Thr)

Gene: CNNM4 (cyclin and CBS domain divalent metal cation transport mediator 4; plus strand). Cytogenetic location: 2q11.2.
Variant type: single nucleotide variant.
Coding change: c.1202T>C on transcript NM_020184.4 (MANE Select); coding-DNA position 1202, T replaced by C.
Protein change: p.Met401Thr; replaces methionine 401 with threonine.
Molecular consequence: missense variant.
Genome position (GRCh38, 1-based): chr2:96,762,201, T>C. VCF-style: chr2-96762201-T-C. GRCh37 (hg19) VCF-style: chr2-97427938-T-C.
Other names: short protein forms M401T.
Identifiers: ClinVar variation 960850 (VCV000960850.9), dbSNP rs2078771024, ClinGen allele CA347716834.